The following is an entry in ClinVar:

ClinVar aggregate classification (germline): Uncertain significance. Review status: criteria provided, multiple submitters, no conflicts (2 of 4 stars). 2 submissions from 2 submitters: Uncertain significance (2). Last evaluated 2025-10-27.

Conditions:
Epidermolysis bullosa simplex, Ogna type (EBS5A). Also called: Pidermolysis bullosa simplex 5A, Ogna type; EPIDERMOLYSIS BULLOSA SIMPLEX 5A, OGNA TYPE. Identifiers: Orphanet 79401, MedGen C0432317, MONDO:0007555, OMIM 131950.
Autosomal recessive limb-girdle muscular dystrophy type 2Q (LGMDR17). Also called: MUSCULAR DYSTROPHY, LIMB-GIRDLE, AUTOSOMAL RECESSIVE 17. Identifiers: Orphanet 254361, MedGen C3150989, MONDO:0013390, OMIM 613723.
Epidermolysis bullosa simplex with nail dystrophy (EBS5D). Identifiers: MedGen C4225309, MONDO:0014661, OMIM 616487.
Epidermolysis bullosa simplex 5B, with muscular dystrophy (EBS5B). Also called: Epidermolysis bullosa simplex with muscular dystrophy; EPIDERMOLYSIS BULLOSA SIMPLEX AND LIMB-GIRDLE MUSCULAR DYSTROPHY. Identifiers: Orphanet 257, MedGen C2931072, MONDO:0009181, OMIM 226670.
Epidermolysis bullosa simplex 5C, with pyloric atresia (EBS5C). Also called: PLEC-Related Epidermolysis Bullosa with Pyloric Atresia; Epidermolysis bullosa simplex with pyloric atresia; PLEC1-Related Epidermolysis Bullosa with Pyloric Atresia. Identifiers: Orphanet 158684, MedGen C2677349, MONDO:0012807, OMIM 612138.
Inborn genetic diseases. Identifiers: MedGen C0950123, MeSH D030342.

Allele frequency attached by ClinVar (database versions not stated): ExAC 0.00001; gnomAD 0.00001; gnomAD exomes 0.00001; TOPMed 0.00001.
gnomAD v4.1: 15 of 1,591,386 alleles (0.00094%); highest among the groups gnomAD compares: South Asian, 0.0044%; no homozygotes.

Submissions (2):

Labcorp Genetics (formerly Invitae), Labcorp
Classification: Uncertain significance for Autosomal recessive limb-girdle muscular dystrophy type 2Q; Epidermolysis bullosa simplex, Ogna type; Epidermolysis bullosa simplex with nail dystrophy; Epidermolysis bullosa simplex 5C, with pyloric atresia; Epidermolysis bullosa simplex 5B, with muscular dystrophy. Last evaluated: 2025-10-27. Review status: criteria provided, single submitter. Criteria: Invitae Variant Classification Sherloc (09022015). Collection method: clinical testing. Allele origin: germline.
Comment: This sequence change replaces arginine, which is basic and polar, with histidine, which is basic and polar, at codon 2050 of the PLEC protein (p.Arg2050His). The frequency data for this variant in the population databases is considered unreliable, as metrics indicate poor data quality at this position in the gnomAD database. This variant has not been reported in the literature in individuals affected with PLEC-related conditions. ClinVar contains an entry for this variant (Variation ID: 646463). An algorithm developed to predict the effect of missense changes on protein structure and function (PolyPhen-2) suggests that this variant is likely to be tolerated. In summary, the available evidence is currently insufficient to determine the role of this variant in disease. Therefore, it has been classified as a Variant of Uncertain Significance.

Ambry Genetics
Classification: Uncertain significance for Inborn genetic diseases. Last evaluated: 2025-07-16. Review status: criteria provided, single submitter. Criteria: Ambry Variant Classification Scheme 2023. Collection method: clinical testing. Allele origin: germline.

NM_201384.3(PLEC):c.6068G>A (p.Arg2023His)

Gene: PLEC (plectin; minus strand). Cytogenetic location: 8q24.3.
Variant type: single nucleotide variant.
Coding change: c.6068G>A on transcript NM_201384.3 (MANE Select); coding-DNA position 6068, G replaced by A.
Protein change: p.Arg2023His; replaces arginine 2023 with histidine.
Molecular consequence: missense variant.
Genome position (GRCh38, 1-based): chr8:143,923,861, C>T on the plus strand (G>A on the coding strand, the complement: PLEC is on the minus strand). VCF-style: chr8-143923861-C-T. GRCh37 (hg19) VCF-style: chr8-144998029-C-T.
Other names: c.6149G>A, p.Arg2050His (NM_000445.5); c.6026G>A, p.Arg2009His (NM_201378.4); c.6002G>A, p.Arg2001His (NM_201379.3); c.6479G>A, p.Arg2160His (NM_201380.4); c.5972G>A, p.Arg1991His (NM_201381.3); c.6068G>A, p.Arg2023His (NM_201382.4); c.6080G>A, p.Arg2027His (NM_201383.3); c.6149G>A (NM_000445.3); short protein forms R1991H, R2023H, R2027H, R2050H, R2160H, R2001H, R2009H.
Identifiers: ClinVar variation 646463 (VCV000646463.7), dbSNP rs781983525, ClinGen allele CA4926119.